The following is an entry in ClinVar:

NM_001164665.2(KIAA1549):c.299G>A (p.Gly100Asp)

Gene: KIAA1549 (KIAA1549; minus strand). Cytogenetic location: 7q34.
Variant type: single nucleotide variant.
Coding change: c.299G>A on transcript NM_001164665.2 (MANE Select); coding-DNA position 299, G replaced by A.
Protein change: p.Gly100Asp; replaces glycine 100 with aspartic acid.
Molecular consequence: missense variant.
Genome position (GRCh38, 1-based): chr7:138,919,327, C>T on the plus strand (G>A on the coding strand, the complement: KIAA1549 is on the minus strand). VCF-style: chr7-138919327-C-T. GRCh37 (hg19) VCF-style: chr7-138604073-C-T.
Other names: c.299G>A, p.Gly100Asp (NM_020910.3); short protein forms G100D.
Identifiers: ClinVar variation 1446507 (VCV001446507.6), dbSNP rs1812474081, ClinGen allele CA369403360.

ClinVar aggregate classification (germline): Uncertain significance (1 of 4 stars; one submission).

Allele frequency attached by ClinVar (database versions not stated): gnomAD exomes below 0.00001; TOPMed below 0.00001.

Submission:

Labcorp Genetics (formerly Invitae), Labcorp
Classification: Uncertain significance. Last evaluated: 2022-08-15. Review status: criteria provided, single submitter. Criteria: Invitae Variant Classification Sherloc (09022015). Collection method: clinical testing. Allele origin: germline.
Comment: This sequence change replaces glycine, which is neutral and non-polar, with aspartic acid, which is acidic and polar, at codon 100 of the KIAA1549 protein (p.Gly100Asp). In summary, the available evidence is currently insufficient to determine the role of this variant in disease. Therefore, it has been classified as a Variant of Uncertain Significance. Algorithms developed to predict the effect of missense changes on protein structure and function (SIFT, PolyPhen-2, Align-GVGD) all suggest that this variant is likely to be tolerated. ClinVar contains an entry for this variant (Variation ID: 1446507). This variant has not been reported in the literature in individuals affected with KIAA1549-related conditions. This variant is not present in population databases (gnomAD no frequency).